The following is an entry in ClinVar:

NM_005529.7(HSPG2):c.3529-3C>T

Gene: HSPG2 (heparan sulfate proteoglycan 2; minus strand). Cytogenetic location: 1p36.12.
Variant type: single nucleotide variant.
Coding change: c.3529-3C>T on transcript NM_005529.7 (MANE Select); 3 bases into the intron before coding-DNA position 3529, C replaced by T.
Molecular consequence: intron variant.
Genome position (GRCh38, 1-based): chr1:21,874,536, G>A on the plus strand (C>T on the coding strand, the complement: HSPG2 is on the minus strand). VCF-style: chr1-21874536-G-A. GRCh37 (hg19) VCF-style: chr1-22201029-G-A.
Other names: c.3532-3C>T (NM_001291860.2).
Identifiers: ClinVar variation 1942808 (VCV001942808.6), dbSNP rs1241943140, ClinGen allele CA521901132.

ClinVar aggregate classification (germline): Uncertain significance. Review status: criteria provided, multiple submitters, no conflicts (2 of 4 stars). 2 submissions from 2 submitters: Uncertain significance (2). Last evaluated 2021-12-12.

Conditions:
Inborn genetic diseases. Identifiers: MedGen C0950123, MeSH D030342.

Allele frequency attached by ClinVar (database versions not stated): gnomAD exomes below 0.00001; TOPMed below 0.00001; gnomAD 0.00001.
gnomAD v4.1: 4 of 1,613,646 alleles (0.00025%); highest among the groups gnomAD compares: Admixed American, 0.005%; no homozygotes.

Submissions (2):

Labcorp Genetics (formerly Invitae), Labcorp
Classification: Uncertain significance. Last evaluated: 2021-12-12. Review status: criteria provided, single submitter. Criteria: Invitae Variant Classification Sherloc (09022015). Collection method: clinical testing. Allele origin: germline.
Comment: This sequence change falls in intron 27 of the HSPG2 gene. It does not directly change the encoded amino acid sequence of the HSPG2 protein. It affects a nucleotide within the consensus splice site. This variant is present in population databases (no rsID available, gnomAD 0.006%). This variant has not been reported in the literature in individuals affected with HSPG2-related conditions. Variants that disrupt the consensus splice site are a relatively common cause of aberrant splicing (PMID: 17576681, 9536098). Algorithms developed to predict the effect of sequence changes on RNA splicing suggest that this variant is not likely to affect RNA splicing. In summary, the available evidence is currently insufficient to determine the role of this variant in disease. Therefore, it has been classified as a Variant of Uncertain Significance.

Ambry Genetics
Classification: Uncertain significance for Inborn genetic diseases. Last evaluated: 2021-10-19. Review status: criteria provided, single submitter. Criteria: Ambry Variant Classification Scheme 2023. Collection method: clinical testing. Allele origin: germline.
Comment: The c.3529-3C>T intronic alteration consists of a C to T substitution 3 nucleotides before exon 27 of the HSPG2 gene. Based on data from gnomAD, the T allele has an overall frequency of <0.01% (2/249902) total alleles studied. The highest observed frequency was 0.01% (2/34526) of Latino alleles. Based on insufficient or conflicting evidence, the clinical significance of this alteration remains unclear.

Literature cited by the submitters: PubMed 17576681 (cited by Labcorp Genetics (formerly Invitae), Labcorp); PubMed 9536098 (cited by Labcorp Genetics (formerly Invitae), Labcorp).